The following is an entry in ClinVar:

NM_000552.5(VWF):c.6938G>A (p.Arg2313His)

Gene: VWF (von Willebrand factor; minus strand). Cytogenetic location: 12p13.31.
Variant type: single nucleotide variant.
Coding change: c.6938G>A on transcript NM_000552.5 (MANE Select); coding-DNA position 6938, G replaced by A.
Protein change: p.Arg2313His; replaces arginine 2313 with histidine.
Molecular consequence: missense variant.
Genome position (GRCh38, 1-based): chr12:5,985,083, C>T on the plus strand (G>A on the coding strand, the complement: VWF is on the minus strand). VCF-style: chr12-5985083-C-T. GRCh37 (hg19) VCF-style: chr12-6094249-C-T.
Other names: p.Arg2313His; short protein forms R2313H.
Identifiers: ClinVar variation 100453 (VCV000100453.9), dbSNP rs62641242, ClinGen allele CA228766.
Genomic context (GRCh38, chr12:5,985,083, plus strand): 5'-ATCCCCCTGGTGGGACACATACCACACTCATACTCGGGGCAGCACTGGTCTGCATTCTGG[C>T]GGAGGCGGGCTACTTCACACAGGCCACACGTGGGAGCTAGAGGAGAGGAACGGCCACAAA-3'
Protein context (NP_000543.3, residues 2303-2323): TCGLCEVARL[Arg2313His]QNADQCCPEY

ClinVar aggregate classification (germline): Uncertain significance. Review status: criteria provided, multiple submitters, no conflicts (2 of 4 stars). 7 submissions from 7 submitters: Uncertain significance (6). 1 of the submissions does not count toward it. Last evaluated 2025-12-30.

Conditions:
VWF-related disorder. Also called: VWF-related disorders; VWF-related condition.
von Willebrand disease type 1 (VWD1). Also called: VON WILLEBRAND DISEASE, TYPE I; VWD, TYPE 1. Identifiers: Orphanet 166078, Orphanet 903, MedGen C1264039, MONDO:0008668, OMIM 193400. Inheritance: autosomal recessive or autosomal dominant.
von Willebrand disease type 3 (VWD3). Also called: Type 3 Von Willebrand's disease; Type 3 VWD; Von Willebrand disease, severe form; V WD3; VON WILLEBRAND DISEASE, TYPE III. Identifiers: Orphanet 166096, MedGen C1264041, MONDO:0010191, OMIM 277480.
von Willebrand disease type 2 (VWD2). Also called: VON WILLEBRAND DISEASE, TYPE 2A/IIE; VON WILLEBRAND DISEASE, TYPE 2CB; VON WILLEBRAND DISEASE, TYPE II; VWD, TYPE 2. Identifiers: Orphanet 166081, Orphanet 903, MedGen C1264040, MONDO:0013304, OMIM 613554.

Allele frequency attached by ClinVar (database versions not stated): ExAC 0.00027; gnomAD exomes 0.00029; ESP Exome Variant Server 0.00031; gnomAD 0.00072 and 0.00077; TOPMed 0.00082; 1000 Genomes Project 30x 0.00094; 1000 Genomes Project 0.00100.

Submissions (7):

Women's Health and Genetics/Laboratory Corporation of America, LabCorp
Classification: Uncertain significance. Last evaluated: 2025-12-30. Review status: criteria provided, single submitter. Criteria: LabCorp Variant Classification Summary - May 2015. Collection method: clinical testing. Allele origin: germline.
Comment: Variant summary: VWF c.6938G>A (p.Arg2313His) results in a non-conservative amino acid change in the encoded protein sequence. Algorithms developed to predict the effect of missense changes on protein structure and function are either unavailable or do not agree on the potential impact of this missense change. The variant allele was found at a frequency of 0.00029 in 251466 control chromosomes (gnomAD). This frequency is not significantly higher than estimated for disease-causing variants in VWF, allowing no conclusion about variant significance. c.6938G>A has been observed in individual(s) affected with Von Willebrand Disease, as well as in individuals from control cohorts (Bellissimo_2012, Goodeve_2007, Sadler_2021, Stefanucci_2023). These reports do not provide unequivocal conclusions about association of the variant with Von Willebrand Disease. At least one publication reports experimental evidence evaluating an impact on protein function. These results showed no damaging effect of this variant (Eikenboom_2009). The following publications have been ascertained in the context of this evaluation (PMID: 22197721, 19566550, 16985174, 33556167, 37647632). ClinVar contains an entry for this variant (Variation ID: 100453). Based on the evidence outlined above, the variant was classified as uncertain significance.

PreventionGenetics, part of Exact Sciences
Classification: Uncertain significance for VWF-related condition. Last evaluated: 2024-12-02. Review status: criteria provided, single submitter. Criteria: ACMG Guidelines, 2015. Collection method: clinical testing. Allele origin: germline.
Comment: The VWF c.6938G>A variant is predicted to result in the amino acid substitution p.Arg2313His. This variant has been reported in an individual with Von Willebrand disease 1 (Goodeve et al. 2007. PubMed ID: 16985174), but has also been noted in an unaffected family member and multiple, reportedly healthy unrelated controls (Eikenboom et al. 2009. PubMed ID: 19566550; Bellissimo et al. 2011. PubMed ID: 22197721; Table S2, Sadler et al. 2021. PubMed ID: 33556167). Experimental studies suggest this variant does not impact protein function (Eikenboom et al. 2009. PubMed ID: 19566550; Michiels et al. 2016 PubMed ID: 27443694; Supplemental Table 3, Stefanucci et al. 2023. PubMed ID: 37647632). This variant is reported in 0.22% of alleles in individuals of African descent in gnomAD. Although we suspect this variant is benign, at this time, the clinical significance of this variant is uncertain due to the absence of conclusive functional and genetic evidence.

Mayo Clinic Laboratories, Mayo Clinic
Classification: Uncertain significance. Last evaluated: 2024-03-14. Review status: criteria provided, single submitter. Criteria: ACMG Guidelines, 2015. Collection method: clinical testing. Allele origin: germline. Observed: 2 variant alleles.
Comment: BS3, PM1

Quest Diagnostics Nichols Institute San Juan Capistrano
Classification: Uncertain significance. Last evaluated: 2023-12-19. Review status: criteria provided, single submitter. Criteria: Quest Diagnostics criteria. Collection method: clinical testing. Allele origin: unknown.
Comment: The VWF c.6938G>A (p.Arg2313His) variant has been reported in the published literature in individuals with Type 1 von Willebrand disease (vWD), but presented with normal VWF multimers and normal VWF hematological indices (PMIDs: 19566550 (2009), 16985174 (2007)). This variant has also been observed in an unaffected family member, and in reportedly healthy individuals with negative bleeding history (PMIDs: 33556167 (2021), 22197721 (2012), 19566550 (2009)). The frequency of this variant in the general population, 0.0022 (55/24968 chromosomes (Genome Aggregation Database)), is uninformative in the assessment of its pathogenicity. Analysis of this variant using bioinformatics tools for the prediction of the effect of amino acid changes on protein structure and function yielded conflicting predictions that this variant is deleterious or benign. Based on the available information, we are unable to determine the clinical significance of this variant.

Department of Pathology and Laboratory Medicine, Sinai Health System
Classification: Uncertain significance for von Willebrand disease type 1; von Willebrand disease type 3; von Willebrand disease type 2. Last evaluated: 2022-06-13. Review status: criteria provided, single submitter. Criteria: ACMG Guidelines, 2015. Collection method: research. Allele origin: germline.

Baylor Genetics
Classification: Uncertain significance for von Willebrand disease type 1. Last evaluated: 2018-08-10. Review status: criteria provided, single submitter. Criteria: ACMG Guidelines, 2015. Collection method: clinical testing. Allele origin: paternal. Affected: yes.
Comment: This variant was determined to be of uncertain significance according to ACMG Guidelines, 2015 [PMID:25741868].

Academic Unit of Haematology, University of Sheffield
No classification provided. Review status: no classification provided. Collection method: not provided. Allele origin: not provided. Not counted in ClinVar's aggregate classification.

Literature cited by the submitters: PubMed 16985174 (cited by 3 submitters); PubMed 33556167 (cited by 3 submitters); PubMed 19566550 (cited by 3 submitters); PubMed 22197721 (cited by 3 submitters); PubMed 37647632 (cited by Women's Health and Genetics/Laboratory Corporation of America, LabCorp); PubMed 31035301 (cited by Mayo Clinic Laboratories, Mayo Clinic); PubMed 34426522 (cited by Quest Diagnostics Nichols Institute San Juan Capistrano).